The following is an entry in ClinVar:

NM_003823.4(TNFRSF6B):c.889C>A (p.Leu297Ile)

Genes: RTEL1-TNFRSF6B (RTEL1-TNFRSF6B readthrough (NMD candidate); plus strand), TNFRSF6B (TNF receptor superfamily member 6b; plus strand). Cytogenetic location: 20q13.33.
Variant type: single nucleotide variant.
Coding change: c.889C>A on transcript NM_003823.4 (MANE Select); coding-DNA position 889, C replaced by A.
Protein change: p.Leu297Ile; replaces leucine 297 with isoleucine.
Molecular consequence: missense variant. On other transcripts: non-coding transcript variant (1).
Genome position (GRCh38, 1-based): chr20:63,698,549, C>A. VCF-style: chr20-63698549-C-A. GRCh37 (hg19) VCF-style: chr20-62329902-C-A.
Other names: c.889C>A (NM_003823.3); short protein forms L297I.
Identifiers: ClinVar variation 3002136 (VCV003002136.4), dbSNP rs764594740, ClinGen allele CA409712325.
Genomic context (GRCh38, chr20:63,698,549, plus strand): 5'-CTGCAGGCGCTGCGCGTGGCCAGGATGCCCGGGCTGGAGCGGAGCGTCCGTGAGCGCTTC[C>A]TCCCTGTGCACTGATCCTGGCCCCCTCTTATTTATTCTACATCCTTGGCACCCCACTTGC-3'
Protein context (NP_003814.1, residues 287-300): GLERSVRERF[Leu297Ile]PVH

ClinVar aggregate classification (germline): Uncertain significance. Review status: criteria provided, multiple submitters, no conflicts (2 of 4 stars). 2 submissions from 2 submitters: Uncertain significance (2). Last evaluated 2025-03-24.

Submissions (2):

Ambry Genetics
Classification: Uncertain significance. Last evaluated: 2025-03-24. Review status: criteria provided, single submitter. Criteria: Ambry Variant Classification Scheme 2023. Collection method: clinical testing. Allele origin: germline.

Labcorp Genetics (formerly Invitae), Labcorp
Classification: Uncertain significance. Last evaluated: 2024-11-07. Review status: criteria provided, single submitter. Criteria: Invitae Variant Classification Sherloc (09022015). Collection method: clinical testing. Allele origin: germline.
Comment: This sequence change replaces leucine, which is neutral and non-polar, with isoleucine, which is neutral and non-polar, at codon 297 of the TNFRSF6B protein (p.Leu297Ile). This variant is present in population databases (no rsID available, gnomAD 0.007%). This variant has not been reported in the literature in individuals affected with TNFRSF6B-related conditions. ClinVar contains an entry for this variant (Variation ID: 3002136). An algorithm developed to predict the effect of missense changes on protein structure and function (PolyPhen-2) suggests that this variant is likely to be tolerated. In summary, the available evidence is currently insufficient to determine the role of this variant in disease. Therefore, it has been classified as a Variant of Uncertain Significance.